The following is an entry in ClinVar:

ClinVar aggregate classification (germline): Uncertain significance (1 of 4 stars; one submission).

Conditions:
RASopathy. Also called: Noonan spectrum disorder; rasopathies. Identifiers: Orphanet 536391, MedGen C5555857, MONDO:0021060.

Submission:

Labcorp Genetics (formerly Invitae), Labcorp
Classification: Uncertain significance for RASopathy. Last evaluated: 2022-03-16. Review status: criteria provided, single submitter. Criteria: Invitae Variant Classification Sherloc (09022015). Collection method: clinical testing. Allele origin: germline.
Comment: Advanced modeling of protein sequence and biophysical properties (such as structural, functional, and spatial information, amino acid conservation, physicochemical variation, residue mobility, and thermodynamic stability) performed at Invitae indicates that this missense variant is not expected to disrupt SOS1 protein function. In summary, the available evidence is currently insufficient to determine the role of this variant in disease. Therefore, it has been classified as a Variant of Uncertain Significance. This variant has not been reported in the literature in individuals affected with SOS1-related conditions. This variant is not present in population databases (gnomAD no frequency). This sequence change replaces histidine, which is basic and polar, with arginine, which is basic and polar, at codon 1244 of the SOS1 protein (p.His1244Arg).

NM_005633.4(SOS1):c.3731A>G (p.His1244Arg)

Gene: SOS1 (SOS Ras/Rac guanine nucleotide exchange factor 1; minus strand). Cytogenetic location: 2p22.1.
Variant type: single nucleotide variant.
Coding change: c.3731A>G on transcript NM_005633.4 (MANE Select); coding-DNA position 3731, A replaced by G.
Protein change: p.His1244Arg; replaces histidine 1244 with arginine.
Molecular consequence: missense variant.
Genome position (GRCh38, 1-based): chr2:38,986,095, T>C on the plus strand (A>G on the coding strand, the complement: SOS1 is on the minus strand). VCF-style: chr2-38986095-T-C. GRCh37 (hg19) VCF-style: chr2-39213236-T-C.
Other names: c.3710A>G, p.His1237Arg (NM_001382394.1); c.3686A>G, p.His1229Arg (NM_001382395.1); short protein forms H1237R, H1229R, H1244R.
Identifiers: ClinVar variation 2112873 (VCV002112873.4), dbSNP rs761850358, ClinGen allele CA45674083.